The following is an entry in ClinVar:

ClinVar aggregate classification (germline): Uncertain significance (1 of 4 stars; one submission).

Allele frequency attached by ClinVar (database versions not stated): gnomAD exomes below 0.00001.
gnomAD v4.1: 1 of 1,612,782 alleles (0.000062%); highest among the groups gnomAD compares: Admixed American, 0.0017%; no homozygotes.

Submission:

GeneDx
Classification: Uncertain significance. Last evaluated: 2015-01-06. Review status: criteria provided, single submitter. Criteria: GeneDx Variant Classification (06012015). Collection method: clinical testing. Allele origin: germline. Affected: yes.
Comment: p.Glu176Ala (GAG>GCG): c.527 A>C in exon 5 of the GAMT gene (NM_000156.4) The E176A variant has not been published as a mutation, nor has it been reported as a benign polymorphism to our knowledge. It was not observed in approximately 6,500 individuals of European and African American ancestry in the NHLBI Exome Sequencing Project, indicating it is not a common benign variant in these populations. The E176A variant is a non-conservative amino acid substitution, which is likely to impact secondary protein structure as these residues differ in polarity, charge, size and/or other properties. In silico analysis predicts this variant is probably damaging to the protein structure/function. Missense mutations in nearby residues (L166P, Y168S, C169R, C169Y)) have been reported in association with GAMT deficiency. However, this substitution occurs at a position that is not conserved across species. Therefore, based on the currently available information, it is unclear whether this variant is a pathogenic mutation or a rare benign variant. The variant is found in EPILEPSYV2-1 panel(s).

NM_000156.6(GAMT):c.527A>C (p.Glu176Ala)

Gene: GAMT (guanidinoacetate N-methyltransferase; minus strand). Cytogenetic location: 19p13.3.
Variant type: single nucleotide variant.
Coding change: c.527A>C on transcript NM_000156.6 (MANE Select); coding-DNA position 527, A replaced by C.
Protein change: p.Glu176Ala; replaces glutamic acid 176 with alanine.
Molecular consequence: missense variant.
Genome position (GRCh38, 1-based): chr19:1,398,959, T>G on the plus strand (A>C on the coding strand, the complement: GAMT is on the minus strand). VCF-style: chr19-1398959-T-G. GRCh37 (hg19) VCF-style: chr19-1398958-T-G.
Other names: p.E176A:GAG>GCG; c.527A>C, p.Glu176Ala (NM_138924.3); short protein forms E176A.
Identifiers: ClinVar variation 205587 (VCV000205587.2), dbSNP rs796052526, ClinGen allele CA314818.
Genomic context (GRCh38, chr19:1,398,959, plus strand): 5'-ACTTCAGGTGGGCGCACCTCAAACATGATGGTGATGTCTGAGTACTTGGACTTCATCAGC[T>G]CCCCCCAGGAGGTGAGGTTGCAGTAGGTGAGGACGCCCCCCGGCTTCAGCAGGCGAAAGG-3'
Protein context (NP_000147.1, residues 166-186): LTYCNLTSWG[Glu176Ala]LMKSKYSDIT